The following is an entry in ClinVar:

ClinVar aggregate classification (germline): Uncertain significance (1 of 4 stars; one submission).

Conditions:
Exostoses, multiple, type 2 (EXT2). Also called: Hereditary Multiple Osteochondromatosis, Type II; EXOSTOSES, MULTIPLE, TYPE II. Identifiers: Orphanet 321, MedGen C1851413, MONDO:0007586, OMIM 133701.

Submission:

Labcorp Genetics (formerly Invitae), Labcorp
Classification: Uncertain significance for Exostoses, multiple, type 2. Last evaluated: 2024-10-15. Review status: criteria provided, single submitter. Criteria: Invitae Variant Classification Sherloc (09022015). Collection method: clinical testing. Allele origin: germline.
Comment: This sequence change replaces proline, which is neutral and non-polar, with alanine, which is neutral and non-polar, at codon 351 of the EXT2 protein (p.Pro351Ala). This variant is not present in population databases (gnomAD no frequency). This variant has not been reported in the literature in individuals affected with EXT2-related conditions. Invitae Evidence Modeling of protein sequence and biophysical properties (such as structural, functional, and spatial information, amino acid conservation, physicochemical variation, residue mobility, and thermodynamic stability) has been performed for this missense variant. However, the output from this modeling did not meet the statistical confidence thresholds required to predict the impact of this variant on EXT2 protein function. This variant disrupts the p.Pro351 amino acid residue in EXT2. Other variant(s) that disrupt this residue have been determined to be pathogenic (PMID: 30806661). This suggests that this residue is clinically significant, and that variants that disrupt this residue are likely to be disease-causing. In summary, the available evidence is currently insufficient to determine the role of this variant in disease. Therefore, it has been classified as a Variant of Uncertain Significance.

Literature cited by the submitters: PubMed 30806661.

NM_207122.2(EXT2):c.1051C>G (p.Pro351Ala)

Gene: EXT2 (exostosin glycosyltransferase 2; plus strand). Cytogenetic location: 11p11.2.
Variant type: single nucleotide variant.
Coding change: c.1051C>G on transcript NM_207122.2 (MANE Select); coding-DNA position 1051, C replaced by G.
Protein change: p.Pro351Ala; replaces proline 351 with alanine.
Molecular consequence: missense variant.
Genome position (GRCh38, 1-based): chr11:44,126,927, C>G. VCF-style: chr11-44126927-C-G. GRCh37 (hg19) VCF-style: chr11-44148477-C-G.
Other names: c.1150C>G, p.Pro384Ala (NM_000401.3); c.1051C>G, p.Pro351Ala (NM_001178083.3, NM_001389628.1, NM_001389630.1); short protein forms P384A, P351A.
Identifiers: ClinVar variation 3719221 (VCV003719221.2).